The following is an entry in ClinVar:

NM_182493.3(MYLK3):c.1731C>G (p.Asp577Glu)

Gene: MYLK3 (myosin light chain kinase 3; minus strand). Cytogenetic location: 16q11.2.
Variant type: single nucleotide variant.
Coding change: c.1731C>G on transcript NM_182493.3 (MANE Select); coding-DNA position 1731, C replaced by G.
Protein change: p.Asp577Glu; replaces aspartic acid 577 with glutamic acid.
Molecular consequence: missense variant.
Genome position (GRCh38, 1-based): chr16:46,729,065, G>C on the plus strand (C>G on the coding strand, the complement: MYLK3 is on the minus strand). VCF-style: chr16-46729065-G-C. GRCh37 (hg19) VCF-style: chr16-46762977-G-C.
Other names: c.708C>G, p.Asp236Glu (NM_001308301.1); short protein forms D236E, D577E.
Identifiers: ClinVar variation 2710611 (VCV002710611.3), dbSNP rs747900006, ClinGen allele CA395790186.

ClinVar aggregate classification (germline): Uncertain significance (1 of 4 stars; one submission).

Submission:

Labcorp Genetics (formerly Invitae), Labcorp
Classification: Uncertain significance. Last evaluated: 2024-01-21. Review status: criteria provided, single submitter. Criteria: Invitae Variant Classification Sherloc (09022015). Collection method: clinical testing. Allele origin: germline.
Comment: This sequence change replaces aspartic acid, which is acidic and polar, with glutamic acid, which is acidic and polar, at codon 577 of the MYLK3 protein (p.Asp577Glu). This variant is not present in population databases (gnomAD no frequency). This variant has not been reported in the literature in individuals affected with MYLK3-related conditions. An algorithm developed to predict the effect of missense changes on protein structure and function (PolyPhen-2) suggests that this variant is likely to be disruptive. In summary, the available evidence is currently insufficient to determine the role of this variant in disease. Therefore, it has been classified as a Variant of Uncertain Significance.